The following is an entry in ClinVar:

ClinVar aggregate classification (germline): Uncertain significance (1 of 4 stars; one submission).

Conditions:
Epidermolysis bullosa simplex with nail dystrophy (EBS5D). Identifiers: MedGen C4225309, MONDO:0014661, OMIM 616487.
Epidermolysis bullosa simplex, Ogna type (EBS5A). Also called: EPIDERMOLYSIS BULLOSA SIMPLEX 5A, OGNA TYPE; Pidermolysis bullosa simplex 5A, Ogna type. Identifiers: Orphanet 79401, MedGen C0432317, MONDO:0007555, OMIM 131950.
Autosomal recessive limb-girdle muscular dystrophy type 2Q (LGMDR17). Also called: MUSCULAR DYSTROPHY, LIMB-GIRDLE, AUTOSOMAL RECESSIVE 17. Identifiers: Orphanet 254361, MedGen C3150989, MONDO:0013390, OMIM 613723.
Epidermolysis bullosa simplex 5B, with muscular dystrophy (EBS5B). Also called: EPIDERMOLYSIS BULLOSA SIMPLEX AND LIMB-GIRDLE MUSCULAR DYSTROPHY; Epidermolysis bullosa simplex with muscular dystrophy. Identifiers: Orphanet 257, MedGen C2931072, MONDO:0009181, OMIM 226670.
Epidermolysis bullosa simplex 5C, with pyloric atresia (EBS5C). Also called: PLEC-Related Epidermolysis Bullosa with Pyloric Atresia; Epidermolysis bullosa simplex with pyloric atresia; PLEC1-Related Epidermolysis Bullosa with Pyloric Atresia. Identifiers: Orphanet 158684, MedGen C2677349, MONDO:0012807, OMIM 612138.

Submission:

Labcorp Genetics (formerly Invitae), Labcorp
Classification: Uncertain significance for Autosomal recessive limb-girdle muscular dystrophy type 2Q; Epidermolysis bullosa simplex, Ogna type; Epidermolysis bullosa simplex with nail dystrophy; Epidermolysis bullosa simplex 5C, with pyloric atresia; Epidermolysis bullosa simplex 5B, with muscular dystrophy. Last evaluated: 2025-09-16. Review status: criteria provided, single submitter. Criteria: Invitae Variant Classification Sherloc (09022015). Collection method: clinical testing. Allele origin: germline.
Comment: This sequence change replaces glycine, which is neutral and non-polar, with aspartic acid, which is acidic and polar, at codon 971 of the PLEC protein (p.Gly971Asp). This variant is not present in population databases (gnomAD no frequency). This variant has not been reported in the literature in individuals affected with PLEC-related conditions. Invitae Evidence Modeling of protein sequence and biophysical properties (such as structural, functional, and spatial information, amino acid conservation, physicochemical variation, residue mobility, and thermodynamic stability) indicates that this missense variant is not expected to disrupt PLEC protein function with a negative predictive value of 80%. In summary, the available evidence is currently insufficient to determine the role of this variant in disease. Therefore, it has been classified as a Variant of Uncertain Significance.

NM_201384.3(PLEC):c.2831G>A (p.Gly944Asp)

Gene: PLEC (plectin; minus strand). Cytogenetic location: 8q24.3.
Variant type: single nucleotide variant.
Coding change: c.2831G>A on transcript NM_201384.3 (MANE Select); coding-DNA position 2831, G replaced by A.
Protein change: p.Gly944Asp; replaces glycine 944 with aspartic acid.
Molecular consequence: missense variant.
Genome position (GRCh38, 1-based): chr8:143,929,738, C>T on the plus strand (G>A on the coding strand, the complement: PLEC is on the minus strand). VCF-style: chr8-143929738-C-T. GRCh37 (hg19) VCF-style: chr8-145003906-C-T.
Other names: c.2789G>A, p.Gly930Asp (NM_201378.4); c.2765G>A, p.Gly922Asp (NM_201379.3); c.3242G>A, p.Gly1081Asp (NM_201380.4); c.2735G>A, p.Gly912Asp (NM_201381.3); c.2831G>A, p.Gly944Asp (NM_201382.4); c.2843G>A, p.Gly948Asp (NM_201383.3); c.2912G>A, p.Gly971Asp (NM_000445.5, NM_001410941.1); short protein forms G912D, G1081D, G930D, G944D, G971D, G922D, G948D.
Identifiers: ClinVar variation 4791436 (VCV004791436.1).